The following is an entry in ClinVar:

ClinVar aggregate classification (germline): Likely pathogenic (1 of 4 stars; one submission).

Submission:

Labcorp Genetics (formerly Invitae), Labcorp
Classification: Likely pathogenic. Last evaluated: 2024-12-02. Review status: criteria provided, single submitter. Criteria: Invitae Variant Classification Sherloc (09022015). Collection method: clinical testing. Allele origin: germline.
Comment: This sequence change replaces glutamine, which is neutral and polar, with proline, which is neutral and non-polar, at codon 617 of the ABCA4 protein (p.Gln617Pro). This variant is not present in population databases (gnomAD no frequency). This missense change has been observed in individual(s) with Stargardt disease (internal data). ClinVar contains an entry for this variant (Variation ID: 2132801). Invitae Evidence Modeling of protein sequence and biophysical properties (such as structural, functional, and spatial information, amino acid conservation, physicochemical variation, residue mobility, and thermodynamic stability) indicates that this missense variant is expected to disrupt ABCA4 protein function with a positive predictive value of 95%. In summary, the currently available evidence indicates that the variant is pathogenic, but additional data are needed to prove that conclusively. Therefore, this variant has been classified as Likely Pathogenic.

NM_000350.3(ABCA4):c.1850A>C (p.Gln617Pro)

Gene: ABCA4 (ATP binding cassette subfamily A member 4; minus strand). Cytogenetic location: 1p22.1.
Variant type: single nucleotide variant.
Coding change: c.1850A>C on transcript NM_000350.3 (MANE Select); coding-DNA position 1850, A replaced by C.
Protein change: p.Gln617Pro; replaces glutamine 617 with proline.
Molecular consequence: missense variant.
Genome position (GRCh38, 1-based): chr1:94,062,664, T>G on the plus strand (A>C on the coding strand, the complement: ABCA4 is on the minus strand). VCF-style: chr1-94062664-T-G. GRCh37 (hg19) VCF-style: chr1-94528220-T-G.
Other names: c.1850A>C, p.Gln617Pro (NM_001425324.1); short protein forms Q617P.
Identifiers: ClinVar variation 2132801 (VCV002132801.4), dbSNP rs769283184, ClinGen allele CA341279463.